The following is an entry in ClinVar:

ClinVar aggregate classification (germline): Uncertain significance (1 of 4 stars; one submission).

Allele frequency attached by ClinVar (database versions not stated): gnomAD 0.00002; gnomAD exomes 0.00002; TOPMed 0.00002; ExAC 0.00005.
gnomAD v4.1: 66 of 1,613,876 alleles (0.0041%); highest among the groups gnomAD compares: South Asian, 0.0077%; no homozygotes.

Submission:

Labcorp Genetics (formerly Invitae), Labcorp
Classification: Uncertain significance. Last evaluated: 2022-04-23. Review status: criteria provided, single submitter. Criteria: Invitae Variant Classification Sherloc (09022015). Collection method: clinical testing. Allele origin: germline.
Comment: This sequence change replaces arginine, which is basic and polar, with cysteine, which is neutral and slightly polar, at codon 390 of the INPPL1 protein (p.Arg390Cys). This variant is present in population databases (rs771324555, gnomAD 0.006%). In summary, the available evidence is currently insufficient to determine the role of this variant in disease. Therefore, it has been classified as a Variant of Uncertain Significance. Algorithms developed to predict the effect of missense changes on protein structure and function are either unavailable or do not agree on the potential impact of this missense change (SIFT: "Deleterious"; PolyPhen-2: "Possibly Damaging"; Align-GVGD: "Class C0"). This variant has not been reported in the literature in individuals affected with INPPL1-related conditions.

NM_001567.4(INPPL1):c.1168C>T (p.Arg390Cys)

Gene: INPPL1 (inositol polyphosphate phosphatase like 1; plus strand). Cytogenetic location: 11q13.4.
Variant type: single nucleotide variant.
Coding change: c.1168C>T on transcript NM_001567.4 (MANE Select); coding-DNA position 1168, C replaced by T.
Protein change: p.Arg390Cys; replaces arginine 390 with cysteine.
Molecular consequence: missense variant.
Genome position (GRCh38, 1-based): chr11:72,230,439, C>T. VCF-style: chr11-72230439-C-T. GRCh37 (hg19) VCF-style: chr11-71941483-C-T.
Other names: short protein forms R390C.
Identifiers: ClinVar variation 1390384 (VCV001390384.6), dbSNP rs771324555, ClinGen allele CA6169923.